The following is an entry in ClinVar:

NM_006947.4(SRP72):c.611-4G>A

Gene: SRP72 (signal recognition particle 72; plus strand). Cytogenetic location: 4q12.
Variant type: single nucleotide variant.
Coding change: c.611-4G>A on transcript NM_006947.4 (MANE Select); 4 bases into the intron before coding-DNA position 611, G replaced by A.
Molecular consequence: intron variant.
Genome position (GRCh38, 1-based): chr4:56,476,667, G>A. VCF-style: chr4-56476667-G-A. GRCh37 (hg19) VCF-style: chr4-57342833-G-A.
Other names: c.611-4G>A (NM_001267722.2).
Identifiers: ClinVar variation 3029824 (VCV003029824.2), dbSNP rs1720234054, ClinGen allele CA1459563236.
Genomic context (GRCh38, chr4:56,476,667, plus strand): 5'-GGAATAGTGAAAGAAATGGGATTTACCCAGCAATACTACTTTTAAAACAATTTTTCTCCT[G>A]TAGATCTTTGCCGCCGTTCATTATCAGAAGACACTGTAAGTATTCCATCATTGTTAAACC-3'

ClinVar aggregate classification (germline): Likely benign (0 of 4 stars; one submission).

Conditions:
SRP72-related disorder. Also called: SRP72-related condition.

Allele frequency attached by ClinVar (database versions not stated): TOPMed below 0.00001.
gnomAD v4.1: 1 of 1,612,112 alleles (0.000062%); highest among the groups gnomAD compares: Non-Finnish European, 0.000085%; no homozygotes.

Submission:

PreventionGenetics, part of Exact Sciences
Classification: Likely benign for SRP72-related condition. Last evaluated: 2021-08-11. Review status: no assertion criteria provided. Collection method: clinical testing. Allele origin: germline.
Comment: This variant is classified as likely benign based on ACMG/AMP sequence variant interpretation guidelines (Richards et al. 2015 PMID: 25741868, with internal and published modifications).